The following is an entry in ClinVar:

NM_178857.6(RP1L1):c.600C>T (p.Ser200=)

Gene: RP1L1 (RP1 like 1). Cytogenetic location: 8p23.1.
Variant type: single nucleotide variant.
Coding change: c.600C>T on transcript NM_178857.6 (MANE Select); coding-DNA position 600, C replaced by T.
Protein change: p.Ser200=; no amino-acid change (serine 200 retained).
Molecular consequence: synonymous variant.
Genome position (GRCh38, 1-based): chr8:10,622,602, G>A on the plus strand (C>T on the coding strand, the complement: RP1L1 is on the minus strand). VCF-style: chr8-10622602-G-A. GRCh37 (hg19) VCF-style: chr8-10480112-G-A.
Other names: c.600C>T (NM_178857.5).
Identifiers: ClinVar variation 1531750 (VCV001531750.10), dbSNP rs374460999, ClinGen allele CA4625629.

ClinVar aggregate classification (germline): Likely benign. Review status: criteria provided, multiple submitters, no conflicts (2 of 4 stars). 3 submissions from 3 submitters: Likely benign (3). Last evaluated 2025-01-24.

Conditions:
RP1L1-related disorder. Also called: RP1L1-related condition.

Allele frequency attached by ClinVar (database versions not stated): ExAC 0.00002; ESP Exome Variant Server 0.00008.
gnomAD v4.1: 36 of 1,614,028 alleles (0.0022%); highest among the groups gnomAD compares: African/African-American, 0.0027%; no homozygotes.

Submissions (3):

PreventionGenetics, part of Exact Sciences
Classification: Likely benign for RP1L1-related condition. Last evaluated: 2025-01-24. Review status: criteria provided, single submitter. Criteria: ACMG Guidelines, 2015. Collection method: clinical testing. Allele origin: germline.
Comment: This variant is classified as likely benign based on ACMG/AMP sequence variant interpretation guidelines (Richards et al. 2015 PMID: 25741868, with internal and published modifications).

Blueprint Genetics
Classification: Likely benign. Last evaluated: 2024-10-21. Review status: criteria provided, single submitter. Criteria: ACMG Guidelines, 2015. Collection method: clinical testing. Allele origin: germline.

Labcorp Genetics (formerly Invitae), Labcorp
Classification: Likely benign. Last evaluated: 2024-10-15. Review status: criteria provided, single submitter. Criteria: Invitae Variant Classification Sherloc (09022015). Collection method: clinical testing. Allele origin: germline.